The following is an entry in ClinVar:

ClinVar aggregate classification (germline): Uncertain significance. Review status: criteria provided, single submitter (1 of 4 stars). 2 submissions from 2 submitters: Uncertain significance (1). 1 of the submissions does not count toward it. Last evaluated 2018-02-15.

Conditions:
EHHADH-related disorder. Also called: EHHADH-related condition.

Allele frequency attached by ClinVar (database versions not stated): gnomAD exomes 0.00013 and 0.00023; ExAC 0.00025; 1000 Genomes Project 0.00040; 1000 Genomes Project 30x 0.00047; ESP Exome Variant Server 0.00077; gnomAD 0.00083; TOPMed 0.00096.
gnomAD v4.1: 319 of 1,614,180 alleles (0.02%); highest among the groups gnomAD compares: African/African-American, 0.31%; no homozygotes.

Submissions (2):

Eurofins Ntd Llc (ga)
Classification: Uncertain significance. Last evaluated: 2018-02-15. Review status: criteria provided, single submitter. Criteria: EGL ClinVar v180209 classification definitions. Collection method: clinical testing. Allele origin: germline. Observed: 6 variant alleles, 6 heterozygotes.

PreventionGenetics, part of Exact Sciences
Classification: Likely benign for EHHADH-related condition. Last evaluated: 2021-10-14. Review status: no assertion criteria provided. Collection method: clinical testing. Allele origin: germline. Not counted in ClinVar's aggregate classification.
Comment: This variant is classified as likely benign based on ACMG/AMP sequence variant interpretation guidelines (Richards et al. 2015 PMID: 25741868, with internal and published modifications).

NM_001966.4(EHHADH):c.1804C>T (p.Arg602Trp)

Gene: EHHADH (enoyl-CoA hydratase and 3-hydroxyacyl CoA dehydrogenase; minus strand). Cytogenetic location: 3q27.2.
Variant type: single nucleotide variant.
Coding change: c.1804C>T on transcript NM_001966.4 (MANE Select); coding-DNA position 1804, C replaced by T.
Protein change: p.Arg602Trp; replaces arginine 602 with tryptophan.
Molecular consequence: missense variant.
Genome position (GRCh38, 1-based): chr3:185,192,594, G>A on the plus strand (C>T on the coding strand, the complement: EHHADH is on the minus strand). VCF-style: chr3-185192594-G-A. GRCh37 (hg19) VCF-style: chr3-184910382-G-A.
Other names: c.1516C>T, p.Arg506Trp (NM_001166415.2); c.1804C>T (NM_001966.3); short protein forms R602W, R506W.
Identifiers: ClinVar variation 502361 (VCV000502361.7), dbSNP rs148208284, ClinGen allele CA2738921.